The following is an entry in ClinVar:

NM_000452.3(SLC10A2):c.482C>G (p.Pro161Arg)

Gene: SLC10A2 (solute carrier family 10 member 2; minus strand). Cytogenetic location: 13q33.1.
Variant type: single nucleotide variant.
Coding change: c.482C>G on transcript NM_000452.3 (MANE Select); coding-DNA position 482, C replaced by G.
Protein change: p.Pro161Arg; replaces proline 161 with arginine.
Molecular consequence: missense variant.
Genome position (GRCh38, 1-based): chr13:103,058,278, G>C on the plus strand (C>G on the coding strand, the complement: SLC10A2 is on the minus strand). VCF-style: chr13-103058278-G-C. GRCh37 (hg19) VCF-style: chr13-103710628-G-C.
Other names: c.482C>G (NM_000452.2); short protein forms P161R.
Identifiers: ClinVar variation 502569 (VCV000502569.10), dbSNP rs746979008, ClinGen allele CA7042207.

ClinVar aggregate classification (germline): Uncertain significance. Review status: criteria provided, multiple submitters, no conflicts (2 of 4 stars). 4 submissions from 4 submitters: Uncertain significance (4). Last evaluated 2026-10-23.

Conditions:
SLC10A2-related disorder. Also called: SLC10A2-related condition.
Bile acid malabsorption, primary, 1 (PBAM1). Also called: Bile acid malabsorption, primary. Identifiers: MedGen C5561934, MONDO:0013214, OMIM 613291.

Allele frequency attached by ClinVar (database versions not stated): gnomAD exomes below 0.00001 and 0.00001; ExAC 0.00001.
gnomAD v4.1: 13 of 1,589,606 alleles (0.00082%); highest among the groups gnomAD compares: Middle Eastern, 0.05%; no homozygotes.

Submissions (4):

Gene Mapping Laboratory, Hacettepe University
Classification: Uncertain significance for Bile acid malabsorption, primary, 1. Last evaluated: 2026-10-23. Review status: criteria provided, single submitter. Criteria: ACMG Guidelines, 2015. Collection method: research. Allele origin: inherited. Inheritance: Autosomal recessive inheritance. Affected: yes. Observed: 1 variant allele, 1 homozygote.
Comment: This homozygous missense variant is reported to be rare in population databases (PM2), and computational predictions suggest a possible deleterious effect (PP3). Its clinical significance remains uncertain.

Labcorp Genetics (formerly Invitae), Labcorp
Classification: Uncertain significance. Last evaluated: 2026-01-14. Review status: criteria provided, single submitter. Criteria: Invitae Variant Classification Sherloc (09022015). Collection method: clinical testing. Allele origin: germline.
Comment: This sequence change replaces proline, which is neutral and non-polar, with arginine, which is basic and polar, at codon 161 of the SLC10A2 protein (p.Pro161Arg). This variant is present in population databases (rs746979008, gnomAD 0.0009%). This variant has not been reported in the literature in individuals affected with SLC10A2-related conditions. ClinVar contains an entry for this variant (Variation ID: 502569). Invitae Evidence Modeling of protein sequence and biophysical properties (such as structural, functional, and spatial information, amino acid conservation, physicochemical variation, residue mobility, and thermodynamic stability) indicates that this missense variant is expected to disrupt SLC10A2 protein function with a positive predictive value of 80%. In summary, the available evidence is currently insufficient to determine the role of this variant in disease. Therefore, it has been classified as a Variant of Uncertain Significance.

PreventionGenetics, part of Exact Sciences
Classification: Uncertain significance for SLC10A2-related condition. Last evaluated: 2024-11-20. Review status: criteria provided, single submitter. Criteria: ACMG Guidelines, 2015. Collection method: clinical testing. Allele origin: germline.
Comment: The SLC10A2 c.482C>G variant is predicted to result in the amino acid substitution p.Pro161Arg. To our knowledge, this variant has not been reported in the literature. This variant is reported in 0.00088% of alleles in individuals of European (Non-Finnish) descent in gnomAD. At this time, the clinical significance of this variant is uncertain due to the absence of conclusive functional and genetic evidence.

Eurofins Ntd Llc (ga)
Classification: Uncertain significance. Last evaluated: 2017-06-14. Review status: criteria provided, single submitter. Criteria: EGL Classification Definitions 2015. Collection method: clinical testing. Allele origin: germline. Observed: 1 variant allele, 1 homozygote.